The following is an entry in ClinVar:

ClinVar aggregate classification (germline): Uncertain significance (1 of 4 stars; one submission).

Conditions:
Hereditary cancer-predisposing syndrome. Also called: Neoplastic Syndromes, Hereditary; Tumor predisposition; Hereditary neoplastic syndrome; Hereditary Cancer Syndrome. Identifiers: Orphanet 140162, MedGen C0027672, MeSH D009386, MONDO:0015356.

Submission:

Ambry Genetics
Classification: Uncertain significance for Hereditary cancer-predisposing syndrome. Last evaluated: 2026-09-14. Review status: criteria provided, single submitter. Criteria: Ambry Variant Classification Scheme 2023. Collection method: clinical testing. Allele origin: germline.
Comment: The p.E167Q variant (also known as c.499G>C), located in coding exon 4 of the POLD1 gene, results from a G to C substitution at nucleotide position 499. The glutamic acid at codon 167 is replaced by glutamine, an amino acid with highly similar properties. This amino acid position is well conserved in available vertebrate species. In addition, this alteration is predicted to be tolerated by in silico analysis. Based on the available evidence, the clinical significance of this variant remains unclear.

NM_002691.4(POLD1):c.499G>C (p.Glu167Gln)

Gene: POLD1 (DNA polymerase delta 1, catalytic subunit; plus strand). Cytogenetic location: 19q13.33.
Variant type: single nucleotide variant.
Coding change: c.499G>C on transcript NM_002691.4 (MANE Select); coding-DNA position 499, G replaced by C.
Protein change: p.Glu167Gln; replaces glutamic acid 167 with glutamine.
Molecular consequence: missense variant. On other transcripts: non-coding transcript variant (1).
Genome position (GRCh38, 1-based): chr19:50,402,034, G>C. VCF-style: chr19-50402034-G-C. GRCh37 (hg19) VCF-style: chr19-50905291-G-C.
Other names: c.499G>C, p.Glu167Gln (NM_001256849.1, NM_001308632.1, NM_001438210.1 and 3 more transcripts); short protein forms E167Q.
Identifiers: ClinVar variation 5027019 (VCV005027019.1).